The following is an entry in ClinVar:

NM_199242.3(UNC13D):c.2448-8dup

Gene: UNC13D (unc-13 homolog D; minus strand). Cytogenetic location: 17q25.1.
Variant type: Duplication.
Coding change: c.2448-8dup on transcript NM_199242.3 (MANE Select); 8 bases into the intron before coding-DNA position 2448, one base duplicated (C; older notation c.2448-8dupC).
Molecular consequence: intron variant.
Genome position (GRCh38, 1-based): chr17:75,831,356, G duplicated on the plus strand (C on the coding strand, the reverse complement: UNC13D is on the minus strand); the first of 4 consecutive G bases (chr17:75,831,356-75,831,359); duplicating any one gives the same sequence. VCF-style (leftmost placement, unchanged base first): chr17-75831355-C-CG. GRCh37 (hg19) VCF-style: chr17-73827436-C-CG.
Other names: p.?; c.2448-8dupC (NM_199242.2); c.2448-8dup (NM_199242.2).
Identifiers: ClinVar variation 263226 (VCV000263226.18), dbSNP rs3217698, ClinGen allele CA8772503.

ClinVar aggregate classification (germline): Benign/Likely benign. Review status: criteria provided, multiple submitters, no conflicts (2 of 4 stars). 5 submissions from 5 submitters: Benign (4); Likely benign (1). Last evaluated 2026-02-04.

Conditions:
Familial hemophagocytic lymphohistiocytosis 3 (FHL3). Also called: UNC13D-Related Familial Hemophagocytic Lymphohistiocytosis (UNC13D-fHLH). Identifiers: Orphanet 540, MedGen C1837174, MONDO:0012146, OMIM 608898.

Submissions (5):

Labcorp Genetics (formerly Invitae), Labcorp
Classification: Benign for Familial hemophagocytic lymphohistiocytosis 3. Last evaluated: 2026-02-04. Review status: criteria provided, single submitter. Criteria: Invitae Variant Classification Sherloc (09022015). Collection method: clinical testing. Allele origin: germline.

Blueprint Genetics
Classification: Likely benign. Last evaluated: 2024-11-28. Review status: criteria provided, single submitter. Criteria: ACMG Guidelines, 2015. Collection method: clinical testing. Allele origin: germline.

Unidad de Genómica Garrahan, Hospital de Pediatría Garrahan
Classification: Benign. Last evaluated: 2024-01-24. Review status: criteria provided, single submitter. Criteria: ACMG Guidelines, 2015. Collection method: clinical testing. Allele origin: germline. Affected: no. Observed: 19 variant alleles.
Comment: This variant is classified as Benign based on local population frequency. This variant was detected in 22% of patients studied by a panel of primary immunodeficiencies. Number of patients: 19. Only high quality variants are reported.

Mayo Clinic Laboratories, Mayo Clinic
Classification: Benign. Last evaluated: 2023-04-13. Review status: criteria provided, single submitter. Criteria: ACMG Guidelines, 2015. Collection method: clinical testing. Allele origin: germline. Observed: 170 variant alleles.
Comment: BA1, BP4, BP7

PreventionGenetics, part of Exact Sciences
Classification: Benign. Review status: criteria provided, single submitter. Criteria: ACMG Guidelines, 2015. Collection method: clinical testing. Allele origin: germline.

Literature cited by the submitters: PubMed 33746956 (cited by Mayo Clinic Laboratories, Mayo Clinic).